The following is an entry in ClinVar:

ClinVar aggregate classification (germline): Likely benign. Review status: criteria provided, multiple submitters, no conflicts (2 of 4 stars). 2 submissions from 2 submitters: Likely benign (2). Last evaluated 2024-08-20.

Conditions:
Hereditary cancer-predisposing syndrome. Also called: Neoplastic Syndromes, Hereditary; Tumor predisposition; Hereditary neoplastic syndrome; Hereditary Cancer Syndrome. Identifiers: Orphanet 140162, MedGen C0027672, MeSH D009386, MONDO:0015356.

Submissions (2):

Institute for Biomarker Research, Medical Diagnostic Laboratories, L.L.C.
Classification: Likely benign for Hereditary cancer-predisposing syndrome. Last evaluated: 2024-08-20. Review status: criteria provided, single submitter. Criteria: ACMG Guidelines, 2015. Collection method: clinical testing. Allele origin: germline.
Comment: The p.Lys1253= variant is novel (not in any individuals) in 1kG. The p.Lys1253= variant is not predicted to disrupt the existing acceptor splice site 13bp upstream by any splice site algorithm. The p.Lys1253= variant results in a substitution of a base that is not predicted conserved by GERP++ and PhyloP. For these reasons, this variant has been classified as Likely Benign.

Women's Health and Genetics/Laboratory Corporation of America, LabCorp
Classification: Likely benign. Last evaluated: 2022-09-06. Review status: criteria provided, single submitter. Criteria: LabCorp Variant Classification Summary - May 2015. Collection method: clinical testing. Allele origin: germline.
Comment: Variant summary: ATM c.3759G>A alters a non-conserved nucleotide resulting in a synonymous change. 4/4 computational tools predict no significant impact on normal splicing. However, these predictions have yet to be confirmed by functional studies. The variant was absent in 249790 control chromosomes. The available data on variant occurrences in the general population are insufficient to allow any conclusion about variant significance. To our knowledge, no occurrence of c.3759G>A in individuals affected with Ataxia-Telangiectasia or experimental evidence demonstrating its impact on protein function have been reported. No clinical diagnostic laboratories have submitted clinical-significance assessments for this variant to ClinVar after 2014. Based on the evidence outlined above, the variant was classified as likely benign.

NM_000051.4(ATM):c.3759G>A (p.Lys1253=)

Gene: ATM (ATM serine/threonine kinase; plus strand). Cytogenetic location: 11q22.3.
Variant type: single nucleotide variant.
Coding change: c.3759G>A on transcript NM_000051.4 (MANE Select); coding-DNA position 3759, G replaced by A.
Protein change: p.Lys1253=; no amino-acid change (lysine 1253 retained).
Molecular consequence: synonymous variant.
Genome position (GRCh38, 1-based): chr11:108,284,239, G>A. VCF-style: chr11-108284239-G-A. GRCh37 (hg19) VCF-style: chr11-108154966-G-A.
Other names: c.3759G>A, p.Lys1253= (NM_001351834.2).
Identifiers: ClinVar variation 1722396 (VCV001722396.2), dbSNP rs2135704553, ClinGen allele CA476744955.